The following is an entry in ClinVar:

ClinVar aggregate classification (germline): Uncertain significance. Review status: criteria provided, multiple submitters, no conflicts (2 of 4 stars). 2 submissions from 2 submitters: Uncertain significance (2). Last evaluated 2025-03-05.

Conditions:
PTPRQ-related disorder. Also called: PTPRQ-related condition.

gnomAD v4.1: 15 of 1,551,254 alleles (0.00097%); highest among the groups gnomAD compares: South Asian, 0.011%; no homozygotes.

Submissions (2):

PreventionGenetics, part of Exact Sciences
Classification: Uncertain significance for PTPRQ-related condition. Last evaluated: 2025-03-05. Review status: criteria provided, single submitter. Criteria: ACMG Guidelines, 2015. Collection method: clinical testing. Allele origin: germline.
Comment: The PTPRQ c.3940C>T variant is predicted to result in the amino acid substitution p.Arg1314Cys. To our knowledge, this variant has not been reported in the literature. This variant is reported in 0.0088% of alleles in individuals of South Asian descent in gnomAD. At this time, the clinical significance of this variant is uncertain due to the absence of conclusive functional and genetic evidence.

GeneDx
Classification: Uncertain significance. Last evaluated: 2024-10-07. Review status: criteria provided, single submitter. Criteria: GeneDx Variant Classification Process June 2021. Collection method: clinical testing. Allele origin: germline. Affected: yes.
Comment: In silico analysis supports that this missense variant has a deleterious effect on protein structure/function; Has not been previously published as pathogenic or benign to our knowledge

NM_001145026.2(PTPRQ):c.3940C>T (p.Arg1314Cys)

Gene: PTPRQ (protein tyrosine phosphatase receptor type Q; plus strand). Cytogenetic location: 12q21.31.
Variant type: single nucleotide variant.
Coding change: c.3940C>T on transcript NM_001145026.2 (MANE Select); coding-DNA position 3940, C replaced by T.
Protein change: p.Arg1314Cys; replaces arginine 1314 with cysteine.
Molecular consequence: missense variant.
Genome position (GRCh38, 1-based): chr12:80,546,622, C>T. VCF-style: chr12-80546622-C-T. GRCh37 (hg19) VCF-style: chr12-80940401-C-T.
Other names: short protein forms R1314C.
Identifiers: ClinVar variation 3777458 (VCV003777458.2).